The following is an entry in ClinVar:

NM_005734.5(HIPK3):c.3171+4T>G

Gene: HIPK3 (homeodomain interacting protein kinase 3; plus strand). Cytogenetic location: 11p13.
Variant type: single nucleotide variant.
Coding change: c.3171+4T>G on transcript NM_005734.5 (MANE Select); 4 bases into the intron after coding-DNA position 3171, T replaced by G.
Molecular consequence: intron variant.
Genome position (GRCh38, 1-based): chr11:33,352,269, T>G. VCF-style: chr11-33352269-T-G. GRCh37 (hg19) VCF-style: chr11-33373815-T-G.
Other names: c.3108+4T>G (NM_001278163.2, NM_001048200.3, NM_001278162.2).
Identifiers: ClinVar variation 2641714 (VCV002641714.24), dbSNP rs2495136587, ClinGen allele CA2695201117.
Genomic context (GRCh38, chr11:33,352,269, plus strand): 5'-ACTCGTCAGCAAAAATTGACATCAGCATTCCAGCAGCAGCATTTGAACTTCAGTCAGGTA[T>G]GTTCATTTGTGGATATGTAGGAGTCTGTGGGATTCAAATTTAGCAGTTGTTTTTCACGTG-3'

ClinVar aggregate classification (germline): Uncertain significance (1 of 4 stars; one submission).

Submission:

CeGaT Center for Human Genetics Tuebingen
Classification: Uncertain significance. Last evaluated: 2022-07-01. Review status: criteria provided, single submitter. Criteria: CeGaT Center For Human Genetics Tuebingen Variant Classification Criteria Version 2. Collection method: clinical testing. Allele origin: germline. Affected: yes. Observed: 1 variant allele.
Comment: HIPK3: PM2, BP4